The following is an entry in ClinVar:

NM_006642.5(SDCCAG8):c.244C>A (p.Arg82Ser)

Gene: SDCCAG8 (SHH signaling and ciliogenesis regulator SDCCAG8; plus strand). Cytogenetic location: 1q43.
Variant type: single nucleotide variant.
Coding change: c.244C>A on transcript NM_006642.5 (MANE Select); coding-DNA position 244, C replaced by A.
Protein change: p.Arg82Ser; replaces arginine 82 with serine.
Molecular consequence: missense variant. On other transcripts: 5 prime UTR variant (4).
Genome position (GRCh38, 1-based): chr1:243,271,001, C>A. VCF-style: chr1-243271001-C-A. GRCh37 (hg19) VCF-style: chr1-243434303-C-A.
Other names: c.-869C>A (NM_001350246.2); c.-757C>A (NM_001350247.2); c.244C>A, p.Arg82Ser (NM_001350248.2); c.-51C>A (NM_001350249.2); c.-1130C>A (NM_001350251.2); short protein forms R82S.
Identifiers: ClinVar variation 835298 (VCV000835298.9), dbSNP rs143447584, ClinGen allele CA345474821.

ClinVar aggregate classification (germline): Uncertain significance (1 of 4 stars; one submission).

Conditions:
Bardet-Biedl syndrome 16 (BBS16). Identifiers: Orphanet 110, MedGen C3889474, MONDO:0014444, OMIM 615993.
Senior-Loken syndrome 7 (SLSN7). Identifiers: Orphanet 3156, MedGen C3150877, MONDO:0013326, OMIM 613615.

gnomAD v4.1: 2 of 1,613,012 alleles (0.00012%); highest among the groups gnomAD compares: Non-Finnish European, 0.00017%; no homozygotes.

Submission:

Labcorp Genetics (formerly Invitae), Labcorp
Classification: Uncertain significance for Bardet-Biedl syndrome 16; Senior-Loken syndrome 7. Last evaluated: 2019-12-20. Review status: criteria provided, single submitter. Criteria: Invitae Variant Classification Sherloc (09022015). Collection method: clinical testing. Allele origin: germline.
Comment: This sequence change replaces arginine with serine at codon 82 of the SDCCAG8 protein (p.Arg82Ser). The arginine residue is moderately conserved and there is a moderate physicochemical difference between arginine and serine. This variant is not present in population databases (ExAC no frequency). This variant has not been reported in the literature in individuals with SDCCAG8-related conditions. Algorithms developed to predict the effect of missense changes on protein structure and function (SIFT, PolyPhen-2, Align-GVGD) all suggest that this variant is likely to be tolerated, but these predictions have not been confirmed by published functional studies and their clinical significance is uncertain. In summary, the available evidence is currently insufficient to determine the role of this variant in disease. Therefore, it has been classified as a Variant of Uncertain Significance.